The following is an entry in ClinVar:

ClinVar aggregate classification (germline): Uncertain significance (1 of 4 stars; one submission).

Conditions:
Duane-radial ray syndrome (DRRS). Also called: Duane-Radial Ray Syndrome/Okihiro Syndrome; Duane-Radial Ray Syndrome (DRRS) / Okihiro Syndrome; DR SYNDROME; ACRORENOOCULAR SYNDROME; DUANE ANOMALY WITH RADIAL RAY ABNORMALITIES AND DEAFNESS; Okihiro Syndrome. Identifiers: Orphanet 93293, Orphanet 959, MedGen C1623209, MONDO:0011812, OMIM 607323. Disease mechanism: gain of function.

Submission:

Labcorp Genetics (formerly Invitae), Labcorp
Classification: Uncertain significance for Duane-radial ray syndrome. Last evaluated: 2021-02-25. Review status: criteria provided, single submitter. Criteria: Invitae Variant Classification Sherloc (09022015). Collection method: clinical testing. Allele origin: germline.
Comment: In summary, the available evidence is currently insufficient to determine the role of this variant in disease. Therefore, it has been classified as a Variant of Uncertain Significance. Algorithms developed to predict the effect of missense changes on protein structure and function are either unavailable or do not agree on the potential impact of this missense change (SIFT: "Deleterious"; PolyPhen-2: "Benign"; Align-GVGD: "Class C0"). This variant has not been reported in the literature in individuals with SALL4-related conditions. This variant is not present in population databases (ExAC no frequency). This sequence change replaces valine with glycine at codon 995 of the SALL4 protein (p.Val995Gly). The valine residue is weakly conserved and there is a moderate physicochemical difference between valine and glycine.

NM_020436.5(SALL4):c.2984T>G (p.Val995Gly)

Gene: SALL4 (spalt like transcription factor 4; minus strand). Cytogenetic location: 20q13.2.
Variant type: single nucleotide variant.
Coding change: c.2984T>G on transcript NM_020436.5 (MANE Select); coding-DNA position 2984, T replaced by G.
Protein change: p.Val995Gly; replaces valine 995 with glycine.
Molecular consequence: missense variant.
Genome position (GRCh38, 1-based): chr20:51,784,443, A>C on the plus strand (T>G on the coding strand, the complement: SALL4 is on the minus strand). VCF-style: chr20-51784443-A-C. GRCh37 (hg19) VCF-style: chr20-50400982-A-C.
Other names: c.1673T>G, p.Val558Gly (NM_001318031.2); short protein forms V995G, V558G.
Identifiers: ClinVar variation 1370536 (VCV001370536.8), dbSNP rs1601162110, ClinGen allele CA409005910.